The following is an entry in ClinVar:

ClinVar aggregate classification (germline): Uncertain significance (1 of 4 stars; one submission).

Conditions:
Primary open angle glaucoma (POAG). Also called: OPTN-related open angle glaucoma. Identifiers: MedGen C0339573, MONDO:0100553, OMIM 137760.
Glaucoma 1, open angle, E. Identifiers: MedGen C1842026, MONDO:0007665.
Amyotrophic lateral sclerosis type 12 (ALS12). Also called: AMYOTROPHIC LATERAL SCLEROSIS 12 WITH OR WITHOUT FRONTOTEMPORAL DEMENTIA. Identifiers: Orphanet 803, MedGen C3150692, MONDO:0013264, OMIM 613435.

Allele frequency attached by ClinVar (database versions not stated): ExAC 0.00001; gnomAD exomes 0.00001.
gnomAD v4.1: 13 of 1,614,066 alleles (0.00081%); highest among the groups gnomAD compares: Middle Eastern, 0.016%; no homozygotes.

Submission:

Labcorp Genetics (formerly Invitae), Labcorp
Classification: Uncertain significance for Primary open angle glaucoma; Glaucoma 1, open angle, E; Amyotrophic lateral sclerosis type 12. Last evaluated: 2024-12-04. Review status: criteria provided, single submitter. Criteria: Invitae Variant Classification Sherloc (09022015). Collection method: clinical testing. Allele origin: germline.
Comment: This sequence change replaces serine, which is neutral and polar, with asparagine, which is neutral and polar, at codon 234 of the OPTN protein (p.Ser234Asn). This variant is present in population databases (rs768679465, gnomAD 0.004%). This missense change has been observed in individual(s) with amyotrophic lateral sclerosis (PMID: 29525178). ClinVar contains an entry for this variant (Variation ID: 2152079). Invitae Evidence Modeling of protein sequence and biophysical properties (such as structural, functional, and spatial information, amino acid conservation, physicochemical variation, residue mobility, and thermodynamic stability) has been performed for this missense variant. However, the output from this modeling did not meet the statistical confidence thresholds required to predict the impact of this variant on OPTN protein function. In summary, the available evidence is currently insufficient to determine the role of this variant in disease. Therefore, it has been classified as a Variant of Uncertain Significance.

Literature cited by the submitters: PubMed 29525178.

NM_001008212.2(OPTN):c.701G>A (p.Ser234Asn)

Gene: OPTN (optineurin; plus strand). Cytogenetic location: 10p13.
Variant type: single nucleotide variant.
Coding change: c.701G>A on transcript NM_001008212.2 (MANE Select); coding-DNA position 701, G replaced by A.
Protein change: p.Ser234Asn; replaces serine 234 with asparagine.
Molecular consequence: missense variant.
Genome position (GRCh38, 1-based): chr10:13,118,962, G>A. VCF-style: chr10-13118962-G-A. GRCh37 (hg19) VCF-style: chr10-13160962-G-A.
Other names: c.701G>A, p.Ser234Asn (NM_001008211.1, NM_001008213.1, NM_021980.4); short protein forms S234N.
Identifiers: ClinVar variation 2152079 (VCV002152079.4), dbSNP rs768679465, ClinGen allele CA5410722.
Genomic context (GRCh38, chr10:13,118,962, plus strand): 5'-ATAGGAGCAGATCTGCAGATGGGGCCAAGAATTACTTCGAACATGAGGAGTTAACTGTGA[G>A]CCAGCTCCTGCTGTGCCTAAGGGAAGGGAATCAGAAGGTGGAGAGACTTGAAGTTGCACT-3'
Protein context (NP_001008213.1, residues 224-244): NYFEHEELTV[Ser234Asn]QLLLCLREGN